The following is an entry in ClinVar:

ClinVar aggregate classification (germline): Uncertain significance. Review status: criteria provided, multiple submitters, no conflicts (2 of 4 stars). 2 submissions from 2 submitters: Uncertain significance (2). Last evaluated 2024-10-28.

Allele frequency attached by ClinVar (database versions not stated): gnomAD exomes 0.00001; gnomAD 0.00004 and 0.00005; TOPMed 0.00009.

Submissions (2):

Labcorp Genetics (formerly Invitae), Labcorp
Classification: Uncertain significance. Last evaluated: 2024-10-28. Review status: criteria provided, single submitter. Criteria: Invitae Variant Classification Sherloc (09022015). Collection method: clinical testing. Allele origin: germline.
Comment: This sequence change replaces glycine, which is neutral and non-polar, with arginine, which is basic and polar, at codon 33 of the TCF3 protein (p.Gly33Arg). The frequency data for this variant in the population databases is considered unreliable, as metrics indicate poor data quality at this position in the gnomAD database. This variant has not been reported in the literature in individuals affected with TCF3-related conditions. ClinVar contains an entry for this variant (Variation ID: 1464315). Invitae Evidence Modeling of protein sequence and biophysical properties (such as structural, functional, and spatial information, amino acid conservation, physicochemical variation, residue mobility, and thermodynamic stability) indicates that this missense variant is expected to disrupt TCF3 protein function with a positive predictive value of 80%. In summary, the available evidence is currently insufficient to determine the role of this variant in disease. Therefore, it has been classified as a Variant of Uncertain Significance.

Blueprint Genetics
Classification: Uncertain significance. Last evaluated: 2021-12-22. Review status: criteria provided, single submitter. Criteria: ACMG Guidelines, 2015. Collection method: clinical testing. Allele origin: germline.

NM_003200.5(TCF3):c.97G>A (p.Gly33Arg)

Gene: TCF3 (transcription factor 3; minus strand). Cytogenetic location: 19p13.3.
Variant type: single nucleotide variant.
Coding change: c.97G>A on transcript NM_003200.5 (MANE Select); coding-DNA position 97, G replaced by A.
Protein change: p.Gly33Arg; replaces glycine 33 with arginine.
Molecular consequence: missense variant.
Genome position (GRCh38, 1-based): chr19:1,646,403, C>T on the plus strand (G>A on the coding strand, the complement: TCF3 is on the minus strand). VCF-style: chr19-1646403-C-T. GRCh37 (hg19) VCF-style: chr19-1646402-C-T.
Other names: c.97G>A, p.Gly33Arg (NM_001136139.4, NM_001351778.2, NM_001351779.2); short protein forms G33R.
Identifiers: ClinVar variation 1464315 (VCV001464315.7), dbSNP rs932844897, ClinGen allele CA16040550.